The following is an entry in ClinVar:

ClinVar aggregate classification (germline): Likely benign (1 of 4 stars; one submission).

gnomAD v4.1: 12 of 1,614,176 alleles (0.00074%); highest among the groups gnomAD compares: Admixed American, 0.018%; no homozygotes.

Submission:

CeGaT Center for Human Genetics Tuebingen
Classification: Likely benign. Last evaluated: 2026-08-01. Review status: criteria provided, single submitter. Criteria: CeGaT Center For Human Genetics Tuebingen Variant Classification Criteria Version 2. Collection method: clinical testing. Allele origin: germline. Affected: yes. Observed: 1 variant allele.
Comment: ASH1L: BP4, BP7

NM_018489.3(ASH1L):c.8073A>G (p.Arg2691=)

Gene: ASH1L (ASH1 like histone lysine methyltransferase; minus strand). Cytogenetic location: 1q22.
Variant type: single nucleotide variant.
Coding change: c.8073A>G on transcript NM_018489.3 (MANE Select); coding-DNA position 8073, A replaced by G.
Protein change: p.Arg2691=; no amino-acid change (arginine 2691 retained).
Molecular consequence: synonymous variant.
Genome position (GRCh38, 1-based): chr1:155,343,651, T>C on the plus strand (A>G on the coding strand, the complement: ASH1L is on the minus strand). VCF-style: chr1-155343651-T-C. GRCh37 (hg19) VCF-style: chr1-155313442-T-C.
Other names: c.8088A>G, p.Arg2696= (NM_001366177.2).
Identifiers: ClinVar variation 5038872 (VCV005038872.1).